The following is an entry in ClinVar:

ClinVar aggregate classification (germline): Conflicting classifications of pathogenicity. Review status: criteria provided, conflicting classifications (1 of 4 stars). 7 submissions from 7 submitters: Uncertain significance (2); Likely benign (4). 1 of the submissions does not count toward it. Last evaluated 2026-09-01.

Conditions:
PCNT-related disorder. Also called: PCNT-related condition.
Microcephalic osteodysplastic primordial dwarfism type II (MOPD2). Also called: MOPD II; Microcephalic osteodysplastic primordial dwarfism with tooth abnormalities; OSTEODYSPLASTIC PRIMORDIAL DWARFISM, TYPE II. Identifiers: Orphanet 2637, MedGen C0432246, MONDO:0008872, OMIM 210720.

Allele frequency attached by ClinVar (database versions not stated): 1000 Genomes Project 0.00040; 1000 Genomes Project 30x 0.00047; gnomAD 0.00086 and 0.00094; gnomAD exomes 0.00093 and 0.00155; TOPMed 0.00099; ESP Exome Variant Server 0.00131; ExAC 0.00148.
gnomAD v4.1: 1,554 of 1,614,196 alleles (0.096%); highest among the groups gnomAD compares: Middle Eastern, 0.61%; 7 homozygotes.

Submissions (7):

CeGaT Center for Human Genetics Tuebingen
Classification: Likely benign. Last evaluated: 2026-09-01. Review status: criteria provided, single submitter. Criteria: CeGaT Center For Human Genetics Tuebingen Variant Classification Criteria Version 2. Collection method: clinical testing. Allele origin: germline. Affected: yes. Observed: 6 variant alleles.
Comment: PCNT: BP4, BP7

Labcorp Genetics (formerly Invitae), Labcorp
Classification: Likely benign. Last evaluated: 2026-01-26. Review status: criteria provided, single submitter. Criteria: Invitae Variant Classification Sherloc (09022015). Collection method: clinical testing. Allele origin: germline.

Blueprint Genetics
Classification: Likely benign. Last evaluated: 2024-11-27. Review status: criteria provided, single submitter. Criteria: ACMG Guidelines, 2015. Collection method: clinical testing. Allele origin: germline.

GeneDx
Classification: Likely benign. Last evaluated: 2019-09-20. Review status: criteria provided, single submitter. Criteria: GeneDx Variant Classification Process June 2021. Collection method: clinical testing. Allele origin: germline. Affected: yes.

Illumina Laboratory Services, Illumina
Classification: Uncertain significance for Microcephalic osteodysplastic primordial dwarfism type II. Last evaluated: 2018-01-13. Review status: criteria provided, single submitter. Criteria: ICSL Variant Classification Criteria 13 December 2019. Collection method: clinical testing. Allele origin: germline.

Genetic Services Laboratory, University of Chicago
Classification: Uncertain significance. Last evaluated: 2015-03-23. Review status: criteria provided, single submitter. Criteria: ACMG Guidelines, 2015. Collection method: clinical testing. Allele origin: germline.

PreventionGenetics, part of Exact Sciences
Classification: Likely benign for PCNT-related condition. Last evaluated: 2021-08-16. Review status: no assertion criteria provided. Collection method: clinical testing. Allele origin: germline. Not counted in ClinVar's aggregate classification.
Comment: This variant is classified as likely benign based on ACMG/AMP sequence variant interpretation guidelines (Richards et al. 2015 PMID: 25741868, with internal and published modifications).

NM_006031.6(PCNT):c.7803G>A (p.Ala2601=)

Gene: PCNT (pericentrin; plus strand). Cytogenetic location: 21q22.3.
Variant type: single nucleotide variant.
Coding change: c.7803G>A on transcript NM_006031.6 (MANE Select); coding-DNA position 7803, G replaced by A.
Protein change: p.Ala2601=; no amino-acid change (alanine 2601 retained).
Molecular consequence: synonymous variant.
Genome position (GRCh38, 1-based): chr21:46,430,122, G>A. VCF-style: chr21-46430122-G-A. GRCh37 (hg19) VCF-style: chr21-47850036-G-A.
Other names: c.7449G>A, p.Ala2483= (NM_001315529.2).
Identifiers: ClinVar variation 159664 (VCV000159664.55), dbSNP rs144869229, ClinGen allele CA173104.